The following is an entry in ClinVar:

NM_003482.4(KMT2D):c.12808C>T (p.Gln4270Ter)

Gene: KMT2D (lysine methyltransferase 2D; minus strand). Cytogenetic location: 12q13.12.
Variant type: single nucleotide variant.
Coding change: c.12808C>T on transcript NM_003482.4 (MANE Select); coding-DNA position 12808, C replaced by T.
Protein change: p.Gln4270Ter; replaces glutamine 4270 with a stop codon.
Molecular consequence: nonsense.
Genome position (GRCh38, 1-based): chr12:49,031,897, G>A on the plus strand (C>T on the coding strand, the complement: KMT2D is on the minus strand). VCF-style: chr12-49031897-G-A. GRCh37 (hg19) VCF-style: chr12-49425680-G-A.
Other names: short protein forms Q4270*.
Identifiers: ClinVar variation 547485 (VCV000547485.4), dbSNP rs1555187869, ClinGen allele CA384709146.

ClinVar aggregate classification (germline): Pathogenic/Likely pathogenic. Review status: criteria provided, multiple submitters, no conflicts (2 of 4 stars). 2 submissions from 2 submitters: Pathogenic (1); Likely pathogenic (1). Last evaluated 2023-11-18.

Conditions:
Kabuki syndrome. Also called: NIIKAWA-KUROKI SYNDROME; Kabuki make-up syndrome. Identifiers: Orphanet 2322, MedGen C0796004, MONDO:0016512.
Kabuki syndrome 1 (KABUK1). Also called: KMT2D-Related Kabuki Syndrome. Identifiers: Orphanet 2322, MedGen CN030661, MONDO:0007843, OMIM 147920.

Submissions (2):

Labcorp Genetics (formerly Invitae), Labcorp
Classification: Pathogenic for Kabuki syndrome. Last evaluated: 2023-11-18. Review status: criteria provided, single submitter. Criteria: Invitae Variant Classification Sherloc (09022015). Collection method: clinical testing. Allele origin: germline.
Comment: This sequence change creates a premature translational stop signal (p.Gln4270*) in the KMT2D gene. It is expected to result in an absent or disrupted protein product. Loss-of-function variants in KMT2D are known to be pathogenic (PMID: 22126750). This variant is not present in population databases (gnomAD no frequency). This premature translational stop signal has been observed in individual(s) with Kabuki syndrome (PMID: 23320472). ClinVar contains an entry for this variant (Variation ID: 547485). For these reasons, this variant has been classified as Pathogenic.

Center for Human Genetics, Inc
Classification: Likely pathogenic for Kabuki syndrome 1. Last evaluated: 2016-11-01. Review status: criteria provided, single submitter. Criteria: ACMG Guidelines, 2015. Collection method: clinical testing. Allele origin: germline. Affected: yes.

Literature cited by the submitters: PubMed 22126750 (cited by Labcorp Genetics (formerly Invitae), Labcorp); PubMed 23320472 (cited by Labcorp Genetics (formerly Invitae), Labcorp).